The following is an entry in ClinVar:

ClinVar aggregate classification (germline): Uncertain significance. Review status: criteria provided, single submitter (1 of 4 stars). 2 submissions from 2 submitters: Uncertain significance (1). 1 of the submissions does not count toward it. Last evaluated 2025-11-07.

Conditions:
PLXNA1-related disorder. Also called: PLXNA1-related condition.

gnomAD v4.1: 14 of 1,613,374 alleles (0.00087%); highest among the groups gnomAD compares: Admixed American, 0.022%; no homozygotes.

Submissions (2):

Ambry Genetics
Classification: Uncertain significance. Last evaluated: 2025-11-07. Review status: criteria provided, single submitter. Criteria: Ambry Variant Classification Scheme 2023. Collection method: clinical testing. Allele origin: germline.

PreventionGenetics, part of Exact Sciences
Classification: Uncertain significance for PLXNA1-related condition. Last evaluated: 2024-03-12. Review status: no assertion criteria provided. Collection method: clinical testing. Allele origin: germline. Not counted in ClinVar's aggregate classification.
Comment: The PLXNA1 c.2939G>T variant is predicted to result in the amino acid substitution p.Gly980Val. To our knowledge, this variant has not been reported in the literature. This variant is reported in 0.029% of alleles in individuals of Latino descent in gnomAD. At this time, the clinical significance of this variant is uncertain due to the absence of conclusive functional and genetic evidence.

NM_032242.4(PLXNA1):c.2939G>T (p.Gly980Val)

Genes: PLXNA1 (plexin A1; plus strand), LOC129937476 (ATAC-STARR-seq lymphoblastoid active region 20450; plus strand). Cytogenetic location: 3q21.3.
Variant type: single nucleotide variant.
Coding change: c.2939G>T on transcript NM_032242.4 (MANE Select); coding-DNA position 2939, G replaced by T.
Protein change: p.Gly980Val; replaces glycine 980 with valine.
Molecular consequence: missense variant.
Genome position (GRCh38, 1-based): chr3:127,015,245, G>T. VCF-style: chr3-127015245-G-T. GRCh37 (hg19) VCF-style: chr3-126734088-G-T.
Other names: short protein forms G980V.
Identifiers: ClinVar variation 3355838 (VCV003355838.2).
Genomic context (GRCh38, chr3:127,015,245, plus strand): 5'-CACCAACCTTCTACCGTGTGAGCCCCTCCCGTGGGCCTCTGTCAGGGGGCACCTGGATTG[G>T]CATCGAGGGAAGCCACCTGAACGCAGGCAGTGATGTGGCTGTGTCGGTCGGTGGCCGGCC-3'
Protein context (NP_115618.3, residues 970-990): RGPLSGGTWI[Gly980Val]IEGSHLNAGS